The following is an entry in ClinVar:

ClinVar aggregate classification (germline): Uncertain significance (1 of 4 stars; one submission).

gnomAD v4.1: 2 of 1,614,096 alleles (0.00012%); highest among the groups gnomAD compares: Non-Finnish European, 0.00017%; no homozygotes.

Submission:

GeneDx
Classification: Uncertain significance. Last evaluated: 2024-03-25. Review status: criteria provided, single submitter. Criteria: GeneDx Variant Classification Process June 2021. Collection method: clinical testing. Allele origin: germline. Affected: yes.
Comment: Not observed at significant frequency in large population cohorts (gnomAD); In silico analysis supports that this missense variant does not alter protein structure/function; Has not been previously published as pathogenic or benign to our knowledge

NM_000334.4(SCN4A):c.817A>C (p.Met273Leu)

Gene: SCN4A (sodium voltage-gated channel alpha subunit 4; minus strand). Cytogenetic location: 17q23.3.
Variant type: single nucleotide variant.
Coding change: c.817A>C on transcript NM_000334.4 (MANE Select); coding-DNA position 817, A replaced by C.
Protein change: p.Met273Leu; replaces methionine 273 with leucine.
Molecular consequence: missense variant.
Genome position (GRCh38, 1-based): chr17:63,968,242, T>G on the plus strand (A>C on the coding strand, the complement: SCN4A is on the minus strand). VCF-style: chr17-63968242-T-G. GRCh37 (hg19) VCF-style: chr17-62045602-T-G.
Other names: short protein forms M273L.
Identifiers: ClinVar variation 3371581 (VCV003371581.1).